The following is an entry in ClinVar:

ClinVar aggregate classification (germline): Likely pathogenic (0 of 4 stars; one submission).

Conditions:
Cohen syndrome (COH1). Also called: PEPPER SYNDROME; Cutis verticis gyrata, retinitis pigmentosa, and sensorineural deafness. Identifiers: Orphanet 193, MedGen C0265223, MONDO:0008999, OMIM 216550.

Submission:

Juha Muilu Group; Institute for Molecular Medicine Finland (FIMM)
Classification: Likely pathogenic for Cohen syndrome. Review status: no assertion criteria provided. Collection method: not provided. Allele origin: unknown.
Comment: FinDis database variant: This variant was not found or characterized by our laboratory, data were collected from public sources: see reference
ClinVar note: Converted during submission from probable-pathogenic to Likely pathogenic.

NM_152564.5(VPS13B):c.9656del (p.Tyr3219fs)

Gene: VPS13B (vacuolar protein sorting 13 homolog B; plus strand). Cytogenetic location: 8q22.2.
Variant type: Deletion.
Coding change: c.9656del on transcript NM_152564.5 (MANE Select); coding-DNA position 9656, one base deleted (A; older notation c.9656delA).
Protein change: p.Tyr3219fs; shifts the reading frame from tyrosine 3219.
Molecular consequence: frameshift variant.
Genome position (GRCh38, 1-based): chr8:99,835,238, A deleted. VCF-style (leftmost placement, unchanged base first): chr8-99835237-TA-T. GRCh37 (hg19) VCF-style: chr8-100847465-TA-T.
Other names: c.9731delA (NM_017890.4); c.9731del, p.Tyr3244fs (NM_017890.5); short protein forms Y3219fs, Y3244fs.
Identifiers: ClinVar variation 56702 (VCV000056702.2), dbSNP rs386834122, ClinGen allele CA264155.
Genomic context (GRCh38, chr8:99,835,237, plus strand): 5'-TTGACTTGATTCTCTTCCAGGGCTATAGTGCTGACATATCAAGAACACCTCGGAGTGACT[TA>T]TTTAACCCTCTCAGAAGACCCTAGTCCTCGAGTAATTATCCACAATAGATGTCCAGTAAA-3'